The following is an entry in ClinVar:

ClinVar aggregate classification (germline): Likely benign (0 of 4 stars; one submission).

Conditions:
MARCHF10-related disorder. Also called: MARCHF10-related condition.

Allele frequency attached by ClinVar (database versions not stated): ExAC 0.00014; gnomAD 0.00056; ESP Exome Variant Server 0.00062; TOPMed 0.00063; 1000 Genomes Project 30x 0.00078; 1000 Genomes Project 0.00080.
gnomAD v4.1: 143 of 1,613,818 alleles (0.0089%); highest among the groups gnomAD compares: African/African-American, 0.17%; no homozygotes.

Submission:

PreventionGenetics, part of Exact Sciences
Classification: Likely benign for MARCHF10-related condition. Last evaluated: 2022-08-02. Review status: no assertion criteria provided. Collection method: clinical testing. Allele origin: germline.
Comment: This variant is classified as likely benign based on ACMG/AMP sequence variant interpretation guidelines (Richards et al. 2015 PMID: 25741868, with internal and published modifications).

NM_152598.4(MARCHF10):c.365C>T (p.Pro122Leu)

Gene: MARCHF10 (membrane associated ring-CH-type finger 10; minus strand). Cytogenetic location: 17q23.2.
Variant type: single nucleotide variant.
Coding change: c.365C>T on transcript NM_152598.4 (MANE Select); coding-DNA position 365, C replaced by T.
Protein change: p.Pro122Leu; replaces proline 122 with leucine.
Molecular consequence: missense variant.
Genome position (GRCh38, 1-based): chr17:62,759,852, G>A on the plus strand (C>T on the coding strand, the complement: MARCHF10 is on the minus strand). VCF-style: chr17-62759852-G-A. GRCh37 (hg19) VCF-style: chr17-60837213-G-A.
Other names: c.365C>T, p.Pro122Leu (NM_001100875.3, NM_001288779.2, NM_001288780.2); short protein forms P122L.
Identifiers: ClinVar variation 3049263 (VCV003049263.2), dbSNP rs144054058, ClinGen allele CA8697081.